The following is an entry in ClinVar:

ClinVar aggregate classification (germline): Uncertain significance (1 of 4 stars; one submission).

Conditions:
Hypertrophic cardiomyopathy 2. Also called: TNNT2-Related Familial Hypertrophic Cardiomyopathy. Identifiers: MedGen C1861864, MONDO:0007266, OMIM 115195.
Cardiomyopathy, familial restrictive, 3. Identifiers: Orphanet 75249, MedGen C2676271, MONDO:0012900, OMIM 612422.
Dilated cardiomyopathy 1D. Identifiers: Orphanet 154, Orphanet 54260, MedGen C1832243, MONDO:0011095, OMIM 601494.

Submission:

Labcorp Genetics (formerly Invitae), Labcorp
Classification: Uncertain significance for Cardiomyopathy, familial restrictive, 3; Hypertrophic cardiomyopathy 2; Dilated cardiomyopathy 1D. Last evaluated: 2022-01-17. Review status: criteria provided, single submitter. Criteria: Invitae Variant Classification Sherloc (09022015). Collection method: clinical testing. Allele origin: germline.
Comment: In summary, the available evidence is currently insufficient to determine the role of this variant in disease. Therefore, it has been classified as a Variant of Uncertain Significance. This sequence change replaces alanine, which is neutral and non-polar, with threonine, which is neutral and polar, at codon 108 of the TNNT2 protein (p.Ala108Thr). This variant is not present in population databases (gnomAD no frequency). This variant has not been reported in the literature in individuals affected with TNNT2-related conditions. Algorithms developed to predict the effect of missense changes on protein structure and function are either unavailable or do not agree on the potential impact of this missense change (SIFT: "Tolerated"; PolyPhen-2: "Probably Damaging"; Align-GVGD: "Class C0").

NM_001276345.2(TNNT2):c.352G>A (p.Ala118Thr)

Gene: TNNT2 (troponin T2, cardiac type; minus strand). Cytogenetic location: 1q32.1.
Variant type: single nucleotide variant.
Coding change: c.352G>A on transcript NM_001276345.2 (MANE Select); coding-DNA position 352, G replaced by A.
Protein change: p.Ala118Thr; replaces alanine 118 with threonine.
Molecular consequence: missense variant. On other transcripts: intron variant (1).
Genome position (GRCh38, 1-based): chr1:201,365,250, C>T on the plus strand (G>A on the coding strand, the complement: TNNT2 is on the minus strand). VCF-style: chr1-201365250-C-T. GRCh37 (hg19) VCF-style: chr1-201334378-C-T.
Other names: c.352G>A, p.Ala118Thr (NM_000364.4, NM_001406723.1); c.322G>A, p.Ala108Thr (NM_001001430.3, NM_001001431.3, NM_001276347.2 and 3 more transcripts); c.307G>A, p.Ala103Thr (NM_001001432.3, NM_001406728.1); c.319G>A, p.Ala107Thr (NM_001406725.1); c.291+360G>A (NM_001276346.2); short protein forms A107T, A118T, A103T, A108T.
Identifiers: ClinVar variation 2087171 (VCV002087171.4), dbSNP rs2527015384, ClinGen allele CA344206396.